The following is an entry in ClinVar:

NM_004770.3(KCNB2):c.171C>G (p.Pro57=)

Gene: KCNB2 (potassium voltage-gated channel subfamily B member 2; plus strand). Cytogenetic location: 8q21.11.
Variant type: single nucleotide variant.
Coding change: c.171C>G on transcript NM_004770.3 (MANE Select); coding-DNA position 171, C replaced by G.
Protein change: p.Pro57=; no amino-acid change (proline 57 retained).
Molecular consequence: synonymous variant.
Genome position (GRCh38, 1-based): chr8:72,567,905, C>G. VCF-style: chr8-72567905-C-G. GRCh37 (hg19) VCF-style: chr8-73480140-C-G.
Identifiers: ClinVar variation 1282555 (VCV001282555.4), dbSNP rs41272419, ClinGen allele CA4781434.
Genomic context (GRCh38, chr8:72,567,905, plus strand): 5'-TAAGATCAATGTGGGGGGCCTCAACCACGAAGTCCTGTGGAGAACGCTGGACAGGCTGCC[C>G]AGGACGCGCCTGGGGAAGCTTCGAGACTGCAACACACACGAGAGCCTCCTGGAAGTGTGC-3'
Protein context (NP_004761.2, residues 47-67): EVLWRTLDRL[Pro57=]RTRLGKLRDC

ClinVar aggregate classification (germline): Benign. Review status: criteria provided, multiple submitters, no conflicts (2 of 4 stars). 3 submissions from 3 submitters: Benign (2). 1 of the submissions does not count toward it. Last evaluated 2020-12-01.

Conditions:
KCNB2-related disorder. Also called: KCNB2-related condition.

Allele frequency attached by ClinVar (database versions not stated): gnomAD exomes 0.02631 and 0.03585; gnomAD 0.03470 and 0.03589; ESP Exome Variant Server 0.03475; TOPMed 0.03501; ExAC 0.03762; 1000 Genomes Project 0.04892; 1000 Genomes Project 30x 0.04950.
gnomAD v4.1: 43,868 of 1,613,918 alleles (2.7%); highest among the groups gnomAD compares: South Asian, 8.8%; 981 homozygotes.

Submissions (3):

GeneDx
Classification: Benign. Last evaluated: 2020-12-01. Review status: criteria provided, single submitter. Criteria: GeneDx Variant Classification Process June 2021. Collection method: clinical testing. Allele origin: germline. Affected: yes.

Breakthrough Genomics
Classification: Benign. Review status: criteria provided, single submitter. Criteria: ACMG Guidelines, 2015. Collection method: not provided. Allele origin: germline. Inheritance: Unknown mechanism. Affected: yes.

PreventionGenetics, part of Exact Sciences
Classification: Benign for KCNB2-related condition. Last evaluated: 2019-02-27. Review status: no assertion criteria provided. Collection method: clinical testing. Allele origin: germline. Not counted in ClinVar's aggregate classification.
Comment: This variant is classified as benign based on ACMG/AMP sequence variant interpretation guidelines (Richards et al. 2015 PMID: 25741868, with internal and published modifications).